The following is an entry in ClinVar:

NM_001048174.2(MUTYH):c.564G>A (p.Gly188=)

Gene: MUTYH (mutY DNA glycosylase; minus strand). Cytogenetic location: 1p34.1.
Variant type: single nucleotide variant.
Coding change: c.564G>A on transcript NM_001048174.2 (MANE Select); coding-DNA position 564, G replaced by A.
Protein change: p.Gly188=; no amino-acid change (glycine 188 retained).
Molecular consequence: synonymous variant. On other transcripts: non-coding transcript variant (2).
Genome position (GRCh38, 1-based): chr1:45,332,616, C>T on the plus strand (G>A on the coding strand, the complement: MUTYH is on the minus strand). VCF-style: chr1-45332616-C-T. GRCh37 (hg19) VCF-style: chr1-45798288-C-T.
Other names: c.564G>A, p.Gly188= (NM_001048171.2, NM_001048173.2, NM_001293195.2); c.567G>A, p.Gly189= (NM_001048172.2); c.648G>A, p.Gly216= (NM_001128425.2); c.609G>A, p.Gly203= (NM_001293190.2); c.597G>A, p.Gly199= (NM_001293191.2); c.288G>A, p.Gly96= (NM_001293192.2, NM_001293196.2); c.219G>A, p.Gly73= (NM_001350650.2, NM_001350651.2); c.639G>A, p.Gly213= (NM_012222.3).
Identifiers: ClinVar variation 1093806 (VCV001093806.15), dbSNP rs760562341, ClinGen allele CA058478.

ClinVar aggregate classification (germline): Likely benign. Review status: criteria provided, multiple submitters, no conflicts (2 of 4 stars). 5 submissions from 5 submitters: Likely benign (5). Last evaluated 2025-03-07.

Conditions:
Familial adenomatous polyposis 2. Also called: FAP type 2; MUTYH Polyposis; COLORECTAL ADENOMATOUS POLYPOSIS, AUTOSOMAL RECESSIVE; ADENOMAS, MULTIPLE COLORECTAL, AUTOSOMAL RECESSIVE; MYH-associated polyposis; MUTYH-associated polyposis. Identifiers: Orphanet 220460, Orphanet 247798, MedGen C3272841, MONDO:0012041, OMIM 608456.
Hereditary cancer-predisposing syndrome. Also called: Neoplastic Syndromes, Hereditary; Tumor predisposition; Hereditary Cancer Syndrome; Hereditary neoplastic syndrome. Identifiers: Orphanet 140162, MedGen C0027672, MeSH D009386, MONDO:0015356.

Allele frequency attached by ClinVar (database versions not stated): gnomAD exomes below 0.00001; TOPMed below 0.00001; ExAC 0.00001; gnomAD 0.00003 and 0.00004.
gnomAD v4.1: 4 of 1,614,034 alleles (0.00025%); highest among the groups gnomAD compares: African/African-American, 0.0053%; no homozygotes.

Submissions (5):

Labcorp Genetics (formerly Invitae), Labcorp
Classification: Likely benign for Familial adenomatous polyposis 2. Last evaluated: 2025-03-07. Review status: criteria provided, single submitter. Criteria: Invitae Variant Classification Sherloc (09022015). Collection method: clinical testing. Allele origin: germline.

All of Us Research Program, National Institutes of Health
Classification: Likely benign for Familial adenomatous polyposis 2. Last evaluated: 2023-10-06. Review status: criteria provided, single submitter. Criteria: ACMG Guidelines, 2015. Collection method: clinical testing. Allele origin: germline. Inheritance: Autosomal recessive inheritance. Observed: 1 variant allele, 1 heterozygote.
Comment: This study involves interpretation of variants in research participants for the purpose of population health screening. Participant phenotype was not available at the time of variant classification. Additional details can be found in publication PMID: 35346344, PMCID: PMC8962531

Ambry Genetics
Classification: Likely benign for Hereditary cancer-predisposing syndrome. Last evaluated: 2022-04-26. Review status: criteria provided, single submitter. Criteria: Ambry Variant Classification Scheme 2023. Collection method: clinical testing. Allele origin: germline.

Sema4
Classification: Likely benign for Hereditary cancer-predisposing syndrome. Last evaluated: 2021-07-18. Review status: criteria provided, single submitter. Criteria: Sema4 Curation Guidelines. Collection method: curation. Allele origin: germline.

GeneDx
Classification: Likely benign. Last evaluated: 2018-10-18. Review status: criteria provided, single submitter. Criteria: GeneDx Variant Classification Process June 2021. Collection method: clinical testing. Allele origin: germline. Affected: yes.